The following is an entry in ClinVar:

NM_001323289.2(CDKL5):c.450del (p.Lys150fs)

Gene: CDKL5 (cyclin dependent kinase like 5; plus strand). Cytogenetic location: Xp22.13.
Variant type: Deletion.
Coding change: c.450del on transcript NM_001323289.2 (MANE Select); coding-DNA position 450, one base deleted (A; older notation c.450delA).
Protein change: p.Lys150fs; shifts the reading frame from lysine 150.
Molecular consequence: frameshift variant.
Genome position (GRCh38, 1-based): chrX:18,581,937, A deleted; the last of 4 consecutive A bases (chrX:18,581,934-18,581,937); deleting any one gives the same sequence. VCF-style (leftmost placement, unchanged base first): chrX-18581933-TA-T. GRCh37 (hg19) VCF-style: chrX-18600053-TA-T.
Other names: c.450del, p.Lys150fs (NM_001037343.2, NM_003159.3); short protein forms K150fs.
Identifiers: ClinVar variation 1407573 (VCV001407573.6), dbSNP rs2147144049, ClinGen allele CA2573158451.
Genomic context (GRCh38, chrX:18,581,933, plus strand): 5'-TTTATCTTGACACTCCAGATATAAAACCAGAAAATCTCTTAATCAGCCACAATGATGTCC[TA>T]AAACTGTGTGACTTTGGTAAGTTAAAAAGAAATTAAGTCCTGGTACTTACAGAATTAATT-3'

ClinVar aggregate classification (germline): Pathogenic (1 of 4 stars; one submission).

Conditions:
Angelman syndrome-like. Identifiers: MedGen CN128785.
Developmental and epileptic encephalopathy, 2 (DEE2). Also called: INFANTILE SPASM SYNDROME, X-LINKED 2; CDKL5 deficiency disorder. Identifiers: Orphanet 1934, Orphanet 3451, Orphanet 505652, MedGen C4750718, MONDO:0010396, OMIM 300672.

Submission:

Labcorp Genetics (formerly Invitae), Labcorp
Classification: Pathogenic for Developmental and epileptic encephalopathy, 2; Angelman syndrome-like. Last evaluated: 2021-05-18. Review status: criteria provided, single submitter. Criteria: Invitae Variant Classification Sherloc (09022015). Collection method: clinical testing. Allele origin: germline.
Comment: For these reasons, this variant has been classified as Pathogenic. This variant has not been reported in the literature in individuals with CDKL5-related conditions. This sequence change creates a premature translational stop signal (p.Lys150Asnfs*78) in the CDKL5 gene. It is expected to result in an absent or disrupted protein product. Loss-of-function variants in CDKL5 are known to be pathogenic (PMID: 22872100). This variant is not present in population databases (ExAC no frequency).

Literature cited by the submitters: PubMed 22872100.